The following is an entry in ClinVar:

NM_001378687.1(ATP2C1):c.511G>C (p.Ala171Pro)

Gene: ATP2C1 (ATPase secretory pathway Ca2+ transporting 1; plus strand). Cytogenetic location: 3q22.1.
Variant type: single nucleotide variant.
Coding change: c.511G>C on transcript NM_001378687.1 (MANE Select); coding-DNA position 511, G replaced by C.
Protein change: p.Ala171Pro; replaces alanine 171 with proline.
Molecular consequence: missense variant.
Genome position (GRCh38, 1-based): chr3:130,941,679, G>C. VCF-style: chr3-130941679-G-C. GRCh37 (hg19) VCF-style: chr3-130660523-G-C.
Other names: c.613G>C, p.Ala205Pro (NM_001199180.2, NM_001199181.3, NM_001378511.1); c.496G>C, p.Ala166Pro (NM_001199182.2); c.463G>C, p.Ala155Pro (NM_001199183.2, NM_001199184.3, NM_001378514.1); c.511G>C, p.Ala171Pro (NM_001199185.2, NM_001378512.1, NM_001378513.1 and 5 more transcripts); short protein forms A166P, A155P, A171P, A205P.
Identifiers: ClinVar variation 3703269 (VCV003703269.2).

ClinVar aggregate classification (germline): Uncertain significance (1 of 4 stars; one submission).

Submission:

Labcorp Genetics (formerly Invitae), Labcorp
Classification: Uncertain significance. Last evaluated: 2024-10-30. Review status: criteria provided, single submitter. Criteria: Invitae Variant Classification Sherloc (09022015). Collection method: clinical testing. Allele origin: germline.
Comment: This sequence change replaces alanine, which is neutral and non-polar, with proline, which is neutral and non-polar, at codon 171 of the ATP2C1 protein (p.Ala171Pro). This variant is not present in population databases (gnomAD no frequency). This variant has not been reported in the literature in individuals affected with ATP2C1-related conditions. Invitae Evidence Modeling of protein sequence and biophysical properties (such as structural, functional, and spatial information, amino acid conservation, physicochemical variation, residue mobility, and thermodynamic stability) indicates that this missense variant is expected to disrupt ATP2C1 protein function with a positive predictive value of 80%. In summary, the available evidence is currently insufficient to determine the role of this variant in disease. Therefore, it has been classified as a Variant of Uncertain Significance.